The following is an entry in ClinVar:

NM_015100.4(POGZ):c.2196del (p.Val733fs)

Gene: POGZ (pogo transposable element derived with ZNF domain; minus strand). Cytogenetic location: 1q21.3.
Variant type: Deletion.
Coding change: c.2196del on transcript NM_015100.4 (MANE Select); coding-DNA position 2196, one base deleted (T; older notation c.2196delT).
Protein change: p.Val733fs; shifts the reading frame from valine 733.
Molecular consequence: frameshift variant.
Genome position (GRCh38, 1-based): chr1:151,408,447, A deleted on the plus strand (T on the coding strand, the reverse complement: POGZ is on the minus strand). VCF-style (leftmost placement, unchanged base first): chr1-151408446-CA-C. GRCh37 (hg19) VCF-style: chr1-151380922-CA-C.
Other names: c.2169del, p.Val724fs (NM_001194937.2); c.2010del, p.Val671fs (NM_001194938.2); c.2217del, p.Val740fs (NM_001410860.1); c.1911del, p.Val638fs (NM_145796.4); c.2037del, p.Val680fs (NM_207171.2); short protein forms V638fs, V671fs, V680fs, V724fs, V733fs, V740fs.
Identifiers: ClinVar variation 3253158 (VCV003253158.1), dbSNP rs2529243521.
Genomic context (GRCh38, chr1:151,408,446, plus strand): 5'-AGCACTTAGAAGAAGGCGCTGACATTTTCCTAACAGCTCTCTTCTGGATGCTGCGCTGGA[CA>C]GGGGGATAAAGGAAGACAGGCAGAGGGTCCATTGAGGAGGTCAGCGGTGCTGCCTCCTGC-3'

ClinVar aggregate classification (germline): Pathogenic (1 of 4 stars; one submission).

Submission:

GeneDx
Classification: Pathogenic. Last evaluated: 2024-06-22. Review status: criteria provided, single submitter. Criteria: GeneDx Variant Classification Process June 2021. Collection method: clinical testing. Allele origin: germline. Affected: yes.
Comment: Frameshift variant predicted to result in protein truncation or nonsense mediated decay in a gene for which loss of function is a known mechanism of disease; Not observed at significant frequency in large population cohorts (gnomAD); Has not been previously published as pathogenic or benign to our knowledge